The following is an entry in ClinVar:

ClinVar aggregate classification (germline): Benign (1 of 4 stars; one submission).

Conditions:
Cone-rod dystrophy 5 (CORD5). Identifiers: Orphanet 1872, MedGen C1832976, MONDO:0010969, OMIM 600977.

Allele frequency attached by ClinVar (database versions not stated): 1000 Genomes Project 0.01058; 1000 Genomes Project 30x 0.01187; gnomAD 0.01287 and 0.01384; TOPMed 0.01498.

Submission:

Illumina Laboratory Services, Illumina
Classification: Benign for Cone-rod dystrophy 5. Last evaluated: 2018-01-13. Review status: criteria provided, single submitter. Criteria: ICSL Variant Classification Criteria 13 December 2019. Collection method: clinical testing. Allele origin: germline.
Comment: This variant was observed in the ICSL laboratory as part of a predisposition screen in an ostensibly healthy population. It had not been previously curated by ICSL or reported in the Human Gene Mutation Database (HGMD: prior to June 1st, 2018), and was therefore a candidate for classification through an automated scoring system. Utilizing variant allele frequency, disease prevalence and penetrance estimates, and inheritance mode, an automated score was calculated to assess if this variant is too frequent to cause the disease. Based on the score and internal cut-off values, a variant classified as benign is not then subjected to further curation. The score for this variant resulted in a classification of benign for this disease.

NM_031220.4(PITPNM3):c.*1299C>T

Gene: PITPNM3 (PITPNM family member 3; minus strand). Cytogenetic location: 17p13.2.
Variant type: single nucleotide variant.
Coding change: c.*1299C>T on transcript NM_031220.4 (MANE Select); 1299 bases downstream of the stop codon, C replaced by T.
Molecular consequence: 3 prime UTR variant.
Genome position (GRCh38, 1-based): chr17:6,454,039, G>A on the plus strand (C>T on the coding strand, the complement: PITPNM3 is on the minus strand). VCF-style: chr17-6454039-G-A. GRCh37 (hg19) VCF-style: chr17-6357359-G-A.
Other names: c.*1299C>T (NM_001165966.2).
Identifiers: ClinVar variation 324724 (VCV000324724.5), dbSNP rs7218551, ClinGen allele CA10650718.